The following is an entry in ClinVar:

NM_018943.3(TUBA8):c.1197C>T (p.Tyr399=)

Gene: TUBA8 (tubulin alpha 8; plus strand). Cytogenetic location: 22q11.21.
Variant type: single nucleotide variant.
Coding change: c.1197C>T on transcript NM_018943.3 (MANE Select); coding-DNA position 1197, C replaced by T.
Protein change: p.Tyr399=; no amino-acid change (tyrosine 399 retained).
Molecular consequence: synonymous variant.
Genome position (GRCh38, 1-based): chr22:18,130,983, C>T. VCF-style: chr22-18130983-C-T. GRCh37 (hg19) VCF-style: chr22-18613750-C-T.
Other names: c.999C>T, p.Tyr333= (NM_001193414.2).
Identifiers: ClinVar variation 1602293 (VCV001602293.33), dbSNP rs774327365, ClinGen allele CA10093866.
Genomic context (GRCh38, chr22:18,130,983, plus strand): 5'-CAACACCACGGCCATTGCGGAGGCCTGGGCCCGCCTCGACCACAAGTTCGACCTCATGTA[C>T]GCCAAGCGGGCCTTTGTGCATTGGTATGTGGGAGAGGGGATGGAAGAAGGAGAATTTTCT-3'
Protein context (NP_061816.1, residues 389-409): ARLDHKFDLM[Tyr399=]AKRAFVHWYV

ClinVar aggregate classification (germline): Likely benign. Review status: criteria provided, multiple submitters, no conflicts (2 of 4 stars). 3 submissions from 3 submitters: Likely benign (3). Last evaluated 2025-12-16.

Allele frequency attached by ClinVar (database versions not stated): ExAC 0.00004; gnomAD exomes 0.00008; gnomAD 0.00011; TOPMed 0.00012.

Submissions (3):

Labcorp Genetics (formerly Invitae), Labcorp
Classification: Likely benign. Last evaluated: 2025-12-16. Review status: criteria provided, single submitter. Criteria: Invitae Variant Classification Sherloc (09022015). Collection method: clinical testing. Allele origin: germline.

Blueprint Genetics
Classification: Likely benign. Last evaluated: 2024-10-18. Review status: criteria provided, single submitter. Criteria: ACMG Guidelines, 2015. Collection method: clinical testing. Allele origin: germline.

CeGaT Center for Human Genetics Tuebingen
Classification: Likely benign. Last evaluated: 2023-07-01. Review status: criteria provided, single submitter. Criteria: CeGaT Center For Human Genetics Tuebingen Variant Classification Criteria Version 2. Collection method: clinical testing. Allele origin: germline. Affected: yes. Observed: 1 variant allele.
Comment: TUBA8: BP4, BP7